The following is an entry in ClinVar:

ClinVar aggregate classification (germline): Pathogenic (1 of 4 stars; one submission).

gnomAD v4.1: 3 of 1,611,316 alleles (0.00019%); highest among the groups gnomAD compares: East Asian, 0.0022%; no homozygotes.

Submission:

Labcorp Genetics (formerly Invitae), Labcorp
Classification: Pathogenic. Last evaluated: 2024-03-01. Review status: criteria provided, single submitter. Criteria: Invitae Variant Classification Sherloc (09022015). Collection method: clinical testing. Allele origin: germline.
Comment: This sequence change creates a premature translational stop signal (p.Arg1511*) in the KIAA0556 gene. It is expected to result in an absent or disrupted protein product. Loss-of-function variants in KIAA0556 are known to be pathogenic (PMID: 26714646, 27245168). This variant is present in population databases (rs762066341, gnomAD 0.0009%). This variant has not been reported in the literature in individuals affected with KIAA0556-related conditions. For these reasons, this variant has been classified as Pathogenic.

Literature cited by the submitters: PubMed 26714646; PubMed 27245168.

NM_015202.5(KATNIP):c.4531C>T (p.Arg1511Ter)

Gene: KATNIP (katanin interacting protein; plus strand). Cytogenetic location: 16p12.1.
Variant type: single nucleotide variant.
Coding change: c.4531C>T on transcript NM_015202.5 (MANE Select); coding-DNA position 4531, C replaced by T.
Protein change: p.Arg1511Ter; replaces arginine 1511 with a stop codon.
Molecular consequence: nonsense.
Genome position (GRCh38, 1-based): chr16:27,777,009, C>T. VCF-style: chr16-27777009-C-T. GRCh37 (hg19) VCF-style: chr16-27788330-C-T.
Other names: short protein forms R1511*.
Identifiers: ClinVar variation 3700761 (VCV003700761.2).